The following is an entry in ClinVar:

NM_030928.4(CDT1):c.243T>C (p.Ser81=)

Gene: CDT1 (chromatin licensing and DNA replication factor 1; plus strand). Cytogenetic location: 16q24.3.
Variant type: single nucleotide variant.
Coding change: c.243T>C on transcript NM_030928.4 (MANE Select); coding-DNA position 243, T replaced by C.
Protein change: p.Ser81=; no amino-acid change (serine 81 retained).
Molecular consequence: synonymous variant.
Genome position (GRCh38, 1-based): chr16:88,804,559, T>C. VCF-style: chr16-88804559-T-C. GRCh37 (hg19) VCF-style: chr16-88870967-T-C.
Identifiers: ClinVar variation 128675 (VCV000128675.18), dbSNP rs475667, ClinGen allele CA152270.

ClinVar aggregate classification (germline): Benign. Review status: criteria provided, multiple submitters, no conflicts (2 of 4 stars). 5 submissions from 5 submitters: Benign (4). 1 of the submissions does not count toward it. Last evaluated 2026-02-01.

Allele frequency attached by ClinVar (database versions not stated): gnomAD exomes 0.08132 and 0.09677; gnomAD 0.11192 and 0.11210; TOPMed 0.12053; ExAC 0.09886; 1000 Genomes Project 30x 0.12820; ESP Exome Variant Server 0.10868; 1000 Genomes Project 0.13099.
gnomAD v4.1: 136,683 of 1,612,354 alleles (8.5%); highest among the groups gnomAD compares: African/African-American, 18%; 6,821 homozygotes.

Submissions (5):

Labcorp Genetics (formerly Invitae), Labcorp
Classification: Benign. Last evaluated: 2026-02-01. Review status: criteria provided, single submitter. Criteria: Invitae Variant Classification Sherloc (09022015). Collection method: clinical testing. Allele origin: germline.

GeneDx
Classification: Benign. Last evaluated: 2018-07-09. Review status: criteria provided, single submitter. Criteria: GeneDx Variant Classification Process June 2021. Collection method: clinical testing. Allele origin: germline. Affected: yes.

Breakthrough Genomics
Classification: Benign. Review status: criteria provided, single submitter. Criteria: ACMG Guidelines, 2015. Collection method: not provided. Allele origin: germline. Inheritance: Autosomal recessive inheritance. Affected: yes.

PreventionGenetics, part of Exact Sciences
Classification: Benign. Review status: criteria provided, single submitter. Criteria: ACMG Guidelines, 2015. Collection method: clinical testing. Allele origin: germline.

Genetic Services Laboratory, University of Chicago
Classification: Likely benign for AllHighlyPenetrant. Review status: no assertion criteria provided. Collection method: clinical testing. Allele origin: germline. Inheritance: Autosomal recessive inheritance. Not counted in ClinVar's aggregate classification.
Comment: Likely benign based on allele frequency in 1000 Genomes Project or ESP global frequency and its presence in a patient with a rare or unrelated disease phenotype. NOT Sanger confirmed.